The following is an entry in ClinVar:

ClinVar aggregate classification (germline): Uncertain significance (1 of 4 stars; one submission).

Submission:

Labcorp Genetics (formerly Invitae), Labcorp
Classification: Uncertain significance. Last evaluated: 2022-04-24. Review status: criteria provided, single submitter. Criteria: Invitae Variant Classification Sherloc (09022015). Collection method: clinical testing. Allele origin: germline.
Comment: Experimental studies and prediction algorithms are not available or were not evaluated, and the functional significance of this variant is currently unknown. In summary, the available evidence is currently insufficient to determine the role of this variant in disease. Therefore, it has been classified as a Variant of Uncertain Significance. This variant has not been reported in the literature in individuals affected with LARP7-related conditions. This variant is present in population databases (rs768849339, gnomAD 0.005%). This variant, c.1115_1117del, results in the deletion of 1 amino acid(s) of the LARP7 protein (p.Glu372del), but otherwise preserves the integrity of the reading frame.

NM_016648.4(LARP7):c.1112AAG[1] (p.Glu372del)

Genes: LARP7 (La ribonucleoprotein 7, transcriptional regulator; plus strand), MIR302CHG (miR-302/367 cluster host gene; minus strand). Cytogenetic location: 4q25.
Variant type: Microsatellite.
Coding change: c.1112AAG[1] on transcript NM_016648.4 (MANE Select); one copy of the 3-base unit AAG starting at c.1112; the reference has two copies in a row; one copy, 3 bases deleted.
Protein change: p.Glu372del; deletes glutamic acid 372.
Molecular consequence: inframe deletion.
Genome position (GRCh38, 1-based): chr4:112,647,807-112,647,809, AAG deleted; deleting any 3 consecutive bases within chr4:112,647,802-112,647,809 gives the same sequence; the position shown is the placement nearest the transcript's 3' end. VCF-style (leftmost placement, unchanged base first): chr4-112647801-GAGA-G. GRCh37 (hg19) VCF-style: chr4-113568957-GAGA-G.
Other names: c.1112AAG[1], p.Glu372del (NM_001267039.4, NM_001370978.1, NM_015454.3); c.1151AAG[1], p.Glu385del (NM_001370974.1, NM_001370975.1); c.1148AAG[1], p.Glu384del (NM_001370976.1, NM_001370977.1); c.1109AAG[1], p.Glu371del (NM_001370979.1, NM_001370980.1); c.875AAG[1], p.Glu293del (NM_001370981.1, NM_001370982.1); short protein forms E384del, E385del, E372del, E293del, E371del.
Identifiers: ClinVar variation 2078603 (VCV002078603.4), dbSNP rs768849339, ClinGen allele CA3049386.